The following is an entry in ClinVar:

ClinVar aggregate classification (germline): Uncertain significance (1 of 4 stars; one submission).

Conditions:
Fanconi anemia (FA). Also called: Fanconi's anemia. Identifiers: Orphanet 84, MedGen C0015625, MeSH D005199, MONDO:0019391.

Submission:

Labcorp Genetics (formerly Invitae), Labcorp
Classification: Uncertain significance for Fanconi anemia. Last evaluated: 2023-11-27. Review status: criteria provided, single submitter. Criteria: Invitae Variant Classification Sherloc (09022015). Collection method: clinical testing. Allele origin: germline.
Comment: This sequence change replaces methionine, which is neutral and non-polar, with isoleucine, which is neutral and non-polar, at codon 1871 of the FANCM protein (p.Met1871Ile). This variant is not present in population databases (gnomAD no frequency). This variant has not been reported in the literature in individuals affected with FANCM-related conditions. ClinVar contains an entry for this variant (Variation ID: 851021). An algorithm developed to predict the effect of missense changes on protein structure and function (PolyPhen-2) suggests that this variant is likely to be tolerated. In summary, the available evidence is currently insufficient to determine the role of this variant in disease. Therefore, it has been classified as a Variant of Uncertain Significance.

NM_020937.4(FANCM):c.5613G>A (p.Met1871Ile)

Gene: FANCM (FA complementation group M; plus strand). Cytogenetic location: 14q21.2.
Variant type: single nucleotide variant.
Coding change: c.5613G>A on transcript NM_020937.4 (MANE Select); coding-DNA position 5613, G replaced by A.
Protein change: p.Met1871Ile; replaces methionine 1871 with isoleucine.
Molecular consequence: missense variant.
Genome position (GRCh38, 1-based): chr14:45,196,444, G>A. VCF-style: chr14-45196444-G-A. GRCh37 (hg19) VCF-style: chr14-45665647-G-A.
Other names: c.5535G>A, p.Met1845Ile (NM_001308133.2); short protein forms M1871I, M1845I.
Identifiers: ClinVar variation 851021 (VCV000851021.9), dbSNP rs1890063687, ClinGen allele CA389586243.
Genomic context (GRCh38, chr14:45,196,444, plus strand): 5'-TGGCTGTGATTACATCGTGAGTAATCGCATGGTGGTGGAAAGGAGGTCTCAATCTGAGAT[G>A]TTAAATAGTGTCAATAAGAACAAGTTCATTGAGCAGATCCAGCACCTGCAGAGTATGTTT-3'
Protein context (NP_065988.1, residues 1861-1881): MVVERRSQSE[Met1871Ile]LNSVNKNKFI